The following is an entry in ClinVar:

ClinVar aggregate classification (germline): Uncertain significance (1 of 4 stars; one submission).

gnomAD v4.1: 1 of 1,612,826 alleles (0.000062%); highest among the groups gnomAD compares: Non-Finnish European, 0.000085%; no homozygotes.

Submission:

Women's Health and Genetics/Laboratory Corporation of America, LabCorp
Classification: Uncertain significance. Last evaluated: 2025-09-03. Review status: criteria provided, single submitter. Criteria: LabCorp Variant Classification Summary - May 2015. Collection method: clinical testing. Allele origin: germline.
Comment: Variant summary: MCPH1 c.1960A>G (p.Ser654Gly) results in a non-conservative amino acid change in the encoded protein sequence. Algorithms developed to predict the effect of missense changes on protein structure and function are either unavailable or do not agree on the potential impact of this missense change. The variant was absent in 249378 control chromosomes. The available data on variant occurrences in the general population are insufficient to allow any conclusion about variant significance. To our knowledge, no occurrence of c.1960A>G in individuals affected with MCPH1-related conditions and no experimental evidence demonstrating its impact on protein function have been reported. No submitters have cited clinical-significance assessments for this variant to ClinVar. Based on the evidence outlined above, the variant was classified as uncertain significance.

NM_024596.5(MCPH1):c.1960A>G (p.Ser654Gly)

Gene: MCPH1 (microcephalin 1; plus strand). Cytogenetic location: 8p23.1.
Variant type: single nucleotide variant.
Coding change: c.1960A>G on transcript NM_024596.5 (MANE Select); coding-DNA position 1960, A replaced by G.
Protein change: p.Ser654Gly; replaces serine 654 with glycine.
Molecular consequence: missense variant. On other transcripts: intron variant (1).
Genome position (GRCh38, 1-based): chr8:6,477,618, A>G. VCF-style: chr8-6477618-A-G. GRCh37 (hg19) VCF-style: chr8-6335139-A-G.
Other names: c.1960A>G, p.Ser654Gly (NM_001410917.1, NM_001322042.2, NM_001363979.1 and 1 more transcripts); c.1935+22366A>G (NM_001363980.2); short protein forms S654G.
Identifiers: ClinVar variation 4535865 (VCV004535865.1).